The following is an entry in ClinVar:

ClinVar aggregate classification (germline): Pathogenic (1 of 4 stars; one submission).

Conditions:
X-linked myopathy with postural muscle atrophy. Also called: FHL1-Related Emery-Dreifuss Muscular Dystrophy, X-Linked. Identifiers: Orphanet 178461, MedGen C2678055, MONDO:0010401, OMIM 300696.

Submission:

Labcorp Genetics (formerly Invitae), Labcorp
Classification: Pathogenic for X-linked myopathy with postural muscle atrophy. Last evaluated: 2021-08-21. Review status: criteria provided, single submitter. Criteria: Invitae Variant Classification Sherloc (09022015). Collection method: clinical testing. Allele origin: germline.
Comment: This sequence change creates a premature translational stop signal (p.Trp122Cysfs*30) in the FHL1 gene. It is expected to result in an absent or disrupted protein product. Loss-of-function variants in FHL1 are known to be pathogenic (PMID: 18179888, 19687455, 19716112, 22523091, 24114807). This variant is not present in population databases (ExAC no frequency). This variant has not been reported in the literature in individuals affected with FHL1-related conditions. For these reasons, this variant has been classified as Pathogenic.

Literature cited by the submitters: PubMed 18179888; PubMed 19687455; PubMed 19716112; PubMed 22523091; PubMed 24114807.

NM_001159699.2(FHL1):c.414del (p.Trp138fs)

Gene: FHL1 (four and a half LIM domains 1; plus strand). Cytogenetic location: Xq26.3.
Variant type: Deletion.
Coding change: c.414del on transcript NM_001159699.2 (MANE Select); coding-DNA position 414, one base deleted (G; older notation c.414delG).
Protein change: p.Trp138fs; shifts the reading frame from tryptophan 138.
Molecular consequence: frameshift variant. On other transcripts: non-coding transcript variant (1).
Genome position (GRCh38, 1-based): chrX:136,207,826, G deleted; the last of 2 consecutive G bases (chrX:136,207,825-136,207,826); deleting either gives the same sequence. VCF-style (leftmost placement, unchanged base first): chrX-136207824-TG-T. GRCh37 (hg19) VCF-style: chrX-135289983-TG-T.
Other names: c.366del, p.Trp122fs (NM_001159700.2, NM_001159702.3, NM_001159703.2 and 9 more transcripts); c.453del, p.Trp151fs (NM_001159701.2); c.414del, p.Trp138fs (NM_001330659.2); short protein forms W122fs, W151fs, W138fs.
Identifiers: ClinVar variation 1363228 (VCV001363228.6), dbSNP rs2148375686, ClinGen allele CA2573159246.